The following is an entry in ClinVar:

NM_000540.3(RYR1):c.8480G>A (p.Arg2827Lys)

Genes: RYR1 (ryanodine receptor 1; plus strand), LOC126862902 (BRD4-independent group 4 enhancer GRCh37_chr19:38995830-38997029; plus strand). Cytogenetic location: 19q13.2.
Variant type: single nucleotide variant.
Coding change: c.8480G>A on transcript NM_000540.3 (MANE Select); coding-DNA position 8480, G replaced by A.
Protein change: p.Arg2827Lys; replaces arginine 2827 with lysine.
Molecular consequence: missense variant.
Genome position (GRCh38, 1-based): chr19:38,505,885, G>A. VCF-style: chr19-38505885-G-A. GRCh37 (hg19) VCF-style: chr19-38996525-G-A.
Other names: c.8480G>A, p.Arg2827Lys (NM_001042723.2); short protein forms R2827K.
Identifiers: ClinVar variation 3070869 (VCV003070869.3), dbSNP rs2514362171, ClinGen allele CA405678769.
Genomic context (GRCh38, chr19:38,505,885, plus strand): 5'-GGCCCATCAAGGAGTCCCTGAAGGCCATGATTGCCTGGGAATGGACGATAGAGAAGGCCA[G>A]GGAGGGTGAGGAGGAGAAGACGGAAAAGAAAAAAACGCGGAAGATATCACAAAGTGCCCA-3'
Protein context (NP_000531.2, residues 2817-2837): IAWEWTIEKA[Arg2827Lys]EGEEEKTEKK

ClinVar aggregate classification (germline): Uncertain significance. Review status: criteria provided, multiple submitters, no conflicts (2 of 4 stars). 3 submissions from 3 submitters: Uncertain significance (3). Last evaluated 2026-04-06.

Conditions:
Inborn genetic diseases. Identifiers: MedGen C0950123, MeSH D030342.
Malignant hyperthermia, susceptibility to, 1 (MHS1). Also called: Anesthesia related hyperthermia; Malignant hyperpyrexia; Fulminating hyperpyrexia; Pharmacogenic myopathy; RYR1-Related Malignant Hyperthermia Susceptibility; Malignant hyperthermia suceptibility 1. Identifiers: Orphanet 423, MedGen C2930980, MONDO:0007783, OMIM 145600.

Allele frequency attached by ClinVar (database versions not stated): gnomAD exomes below 0.00001.
gnomAD v4.1: 2 of 1,614,142 alleles (0.00012%); highest among the groups gnomAD compares: Non-Finnish European, 0.00017%; no homozygotes.

Submissions (3):

Ambry Genetics
Classification: Uncertain significance for Inborn genetic diseases. Last evaluated: 2026-04-06. Review status: criteria provided, single submitter. Criteria: Ambry Variant Classification Scheme 2023. Collection method: clinical testing. Allele origin: germline.

Greenwood Genetic Center Diagnostic Laboratories, Greenwood Genetic Center
Classification: Uncertain significance. Last evaluated: 2025-02-18. Review status: criteria provided, single submitter. Criteria: ACMG Guidelines, 2015. Collection method: clinical testing. Allele origin: germline.
Comment: PM2, PP2

All of Us Research Program, National Institutes of Health
Classification: Uncertain significance for Malignant hyperthermia, susceptibility to, 1. Last evaluated: 2023-05-04. Review status: criteria provided, single submitter. Criteria: ACMG Guidelines, 2015. Collection method: clinical testing. Allele origin: germline. Inheritance: Autosomal dominant inheritance. Observed: 1 variant allele, 1 heterozygote.
Comment: This missense variant replaces arginine with lysine at codon 2827 of the RYR1 protein. Computational prediction suggests that this variant may not impact protein structure and function (internally defined REVEL score threshold <= 0.5, PMID: 27666373). To our knowledge, functional studies have not been reported for this variant. This variant has not been reported in individuals affected with RYR1-related disorders in the literature. This variant has not been identified in the general population by the Genome Aggregation Database (gnomAD). The available evidence is insufficient to determine the role of this variant in disease conclusively. Therefore, this variant is classified as a Variant of Uncertain Significance.

This study involves interpretation of variants in research participants for the purpose of population health screening. Participant phenotype was not available at the time of variant classification. Additional details can be found in publication PMID: 35346344, PMCID: PMC8962531